The following is an entry in ClinVar:

ClinVar aggregate classification (germline): Uncertain significance. Review status: criteria provided, multiple submitters, no conflicts (2 of 4 stars). 2 submissions from 2 submitters: Uncertain significance (2). Last evaluated 2025-09-25.

Conditions:
Ehlers-Danlos syndrome, type 4 (EDSVASC). Also called: Ehlers-Danlos syndrome vascular type; Ehlers Danlos syndrome, ecchymotic type; Ehlers Danlos syndrome, arterial type; Ehlers Danlos syndrome, Sack-Barabas type; Ehlers-Danlos Syndrome Type IV. Identifiers: Orphanet 286, MedGen C0268338, MONDO:0017314, OMIM 130050.
Familial thoracic aortic aneurysm and aortic dissection (TAAD). Also called: Thoracic aortic aneurysms and dissections. Identifiers: Orphanet 91387, MedGen C4707243, MONDO:0019625.

Submissions (2):

Labcorp Genetics (formerly Invitae), Labcorp
Classification: Uncertain significance for Ehlers-Danlos syndrome, type 4. Last evaluated: 2025-09-25. Review status: criteria provided, single submitter. Criteria: Invitae Variant Classification Sherloc (09022015). Collection method: clinical testing. Allele origin: germline.
Comment: This sequence change replaces proline, which is neutral and non-polar, with alanine, which is neutral and non-polar, at codon 566 of the COL3A1 protein (p.Pro566Ala). This variant is present in population databases (rs774994950, gnomAD 0.01%). This variant has not been reported in the literature in individuals affected with COL3A1-related conditions. Invitae Evidence Modeling of protein sequence and biophysical properties (such as structural, functional, and spatial information, amino acid conservation, physicochemical variation, residue mobility, and thermodynamic stability) indicates that this missense variant is not expected to disrupt COL3A1 protein function with a negative predictive value of 95%. In summary, the available evidence is currently insufficient to determine the role of this variant in disease. Therefore, it has been classified as a Variant of Uncertain Significance.

Color Diagnostics, LLC DBA Color Health
Classification: Uncertain significance for Familial thoracic aortic aneurysm and aortic dissection. Last evaluated: 2025-06-23. Review status: criteria provided, single submitter. Criteria: ACMG Guidelines, 2015. Collection method: clinical testing. Allele origin: germline.
Comment: This missense variant replaces proline with alanine at codon 566 of the COL3A1 protein. Computational prediction suggests that this variant may not impact protein structure and function. To our knowledge, functional studies have not been reported for this variant. This variant has not been reported in individuals affected with COL3A1-related disorders in the literature. This variant has been identified in 4/251362 chromosomes in the general population by the Genome Aggregation Database (gnomAD). The available evidence is insufficient to determine the role of this variant in disease conclusively. Therefore, this variant is classified as a Variant of Uncertain Significance.

NM_000090.4(COL3A1):c.1696C>G (p.Pro566Ala)

Gene: COL3A1 (collagen type III alpha 1 chain; plus strand). Cytogenetic location: 2q32.2.
Variant type: single nucleotide variant.
Coding change: c.1696C>G on transcript NM_000090.4 (MANE Select); coding-DNA position 1696, C replaced by G.
Protein change: p.Pro566Ala; replaces proline 566 with alanine.
Molecular consequence: missense variant.
Genome position (GRCh38, 1-based): chr2:188,996,431, C>G. VCF-style: chr2-188996431-C-G. GRCh37 (hg19) VCF-style: chr2-189861157-C-G.
Other names: short protein forms P566A.
Identifiers: ClinVar variation 4754948 (VCV004754948.1).